The following is an entry in ClinVar:

ClinVar aggregate classification (germline): Uncertain significance (1 of 4 stars; one submission).

Conditions:
Juvenile polyposis syndrome (JPS). Identifiers: Orphanet 2929, MedGen C0345893, MONDO:0017380, OMIM 174900.

Submission:

Labcorp Genetics (formerly Invitae), Labcorp
Classification: Uncertain significance for Juvenile polyposis syndrome. Last evaluated: 2025-03-04. Review status: criteria provided, single submitter. Criteria: Invitae Variant Classification Sherloc (09022015). Collection method: clinical testing. Allele origin: germline.
Comment: This sequence change replaces histidine, which is basic and polar, with tyrosine, which is neutral and polar, at codon 300 of the SMAD4 protein (p.His300Tyr). This variant is not present in population databases (gnomAD no frequency). This variant has not been reported in the literature in individuals affected with SMAD4-related conditions. Invitae Evidence Modeling of protein sequence and biophysical properties (such as structural, functional, and spatial information, amino acid conservation, physicochemical variation, residue mobility, and thermodynamic stability) has been performed for this missense variant. However, the output from this modeling did not meet the statistical confidence thresholds required to predict the impact of this variant on SMAD4 protein function. In summary, the available evidence is currently insufficient to determine the role of this variant in disease. Therefore, it has been classified as a Variant of Uncertain Significance.

NM_005359.6(SMAD4):c.898C>T (p.His300Tyr)

Gene: SMAD4 (SMAD family member 4; plus strand). Cytogenetic location: 18q21.2.
Variant type: single nucleotide variant.
Coding change: c.898C>T on transcript NM_005359.6 (MANE Select); coding-DNA position 898, C replaced by T.
Protein change: p.His300Tyr; replaces histidine 300 with tyrosine.
Molecular consequence: missense variant. On other transcripts: non-coding transcript variant (2).
Genome position (GRCh38, 1-based): chr18:51,058,450, C>T. VCF-style: chr18-51058450-C-T. GRCh37 (hg19) VCF-style: chr18-48584820-C-T.
Other names: c.898C>T, p.His300Tyr (NM_001407041.1, NM_001407042.1, NM_001407043.1); short protein forms H300Y.
Identifiers: ClinVar variation 4739044 (VCV004739044.1).